The following is an entry in ClinVar:

NM_003906.5(MCM3AP):c.2309T>C (p.Phe770Ser)

Gene: MCM3AP (minichromosome maintenance complex component 3 associated protein; minus strand). Cytogenetic location: 21q22.3.
Variant type: single nucleotide variant.
Coding change: c.2309T>C on transcript NM_003906.5 (MANE Select); coding-DNA position 2309, T replaced by C.
Protein change: p.Phe770Ser; replaces phenylalanine 770 with serine.
Molecular consequence: missense variant.
Genome position (GRCh38, 1-based): chr21:46,272,717, A>G on the plus strand (T>C on the coding strand, the complement: MCM3AP is on the minus strand). VCF-style: chr21-46272717-A-G. GRCh37 (hg19) VCF-style: chr21-47692631-A-G.
Other names: short protein forms F770S.
Identifiers: ClinVar variation 1386330 (VCV001386330.6), dbSNP rs1408131525, ClinGen allele CA410524245.

ClinVar aggregate classification (germline): Uncertain significance (1 of 4 stars; one submission).

Allele frequency attached by ClinVar (database versions not stated): gnomAD exomes below 0.00001 and 0.00001.

Submission:

Labcorp Genetics (formerly Invitae), Labcorp
Classification: Uncertain significance. Last evaluated: 2021-10-19. Review status: criteria provided, single submitter. Criteria: Invitae Variant Classification Sherloc (09022015). Collection method: clinical testing. Allele origin: germline.
Comment: This sequence change replaces phenylalanine with serine at codon 770 of the MCM3AP protein (p.Phe770Ser). The phenylalanine residue is highly conserved and there is a large physicochemical difference between phenylalanine and serine. This variant is not present in population databases (ExAC no frequency). This variant has not been reported in the literature in individuals affected with MCM3AP-related conditions. Algorithms developed to predict the effect of missense changes on protein structure and function (SIFT, PolyPhen-2, Align-GVGD) all suggest that this variant is likely to be disruptive. In summary, the available evidence is currently insufficient to determine the role of this variant in disease. Therefore, it has been classified as a Variant of Uncertain Significance.